The following is an entry in ClinVar:

ClinVar aggregate classification (germline): Uncertain significance (1 of 4 stars; one submission).

Conditions:
Inborn genetic diseases. Identifiers: MedGen C0950123, MeSH D030342.

Submission:

Ambry Genetics
Classification: Uncertain significance for Inborn genetic diseases. Last evaluated: 2026-08-08. Review status: criteria provided, single submitter. Criteria: Ambry Variant Classification Scheme 2023. Collection method: clinical testing. Allele origin: germline.
Comment: The p.V196A variant (also known as c.587T>C), located in coding exon 4 of the SBDS gene, results from a T to C substitution at nucleotide position 587. The valine at codon 196 is replaced by alanine, an amino acid with similar properties. This amino acid position is conserved. In addition, the in silico prediction for this alteration is inconclusive. Based on the available evidence, the clinical significance of this variant remains unclear.

NM_016038.4(SBDS):c.587T>C (p.Val196Ala)

Gene: SBDS (SBDS ribosome maturation factor; minus strand). Cytogenetic location: 7q11.21.
Variant type: single nucleotide variant.
Coding change: c.587T>C on transcript NM_016038.4 (MANE Select); coding-DNA position 587, T replaced by C.
Protein change: p.Val196Ala; replaces valine 196 with alanine.
Molecular consequence: missense variant.
Genome position (GRCh38, 1-based): chr7:66,991,174, A>G on the plus strand (T>C on the coding strand, the complement: SBDS is on the minus strand). VCF-style: chr7-66991174-A-G. GRCh37 (hg19) VCF-style: chr7-66456161-A-G.
Other names: short protein forms V196A.
Identifiers: ClinVar variation 5029036 (VCV005029036.1).
Genomic context (GRCh38, chr7:66,991,174, plus strand): 5'-CAAAGAAAATATTTGACTCTTACGATTTCTAACTGTTGGCCATAATCTTCACTTTCTATG[A>G]CCTTGATCAGTGGCTTGAGCTTTTCTTTCAGCTTCTTGCCTTCATTGACTGGAAGGATGA-3'
Protein context (NP_057122.2, residues 186-206): LKEKLKPLIK[Val196Ala]IESEDYGQQL